The following is an entry in ClinVar:

NM_001165967.2(HES7):c.438_461dup (p.Pro148_Ala155dup)

Genes: HES7 (hes family bHLH transcription factor 7; minus strand), LOC130060203 (ATAC-STARR-seq lymphoblastoid silent region 8155; plus strand). Cytogenetic location: 17p13.1.
Variant type: Duplication.
Coding change: c.438_461dup on transcript NM_001165967.2 (MANE Select); coding-DNA positions 438 to 461, 24 bases duplicated (AGCGCCGCGCCCATCCCTGGACCC).
Protein change: p.Pro148_Ala155dup.
Molecular consequence: inframe insertion.
Genome position (GRCh38, 1-based): chr17:8,121,803-8,121,826, GGGTCCAGGGATGGGCGCGGCGCT duplicated on the plus strand (AGCGCCGCGCCCATCCCTGGACCC on the coding strand, the reverse complement: HES7 is on the minus strand); duplicating any 24 consecutive bases within chr17:8,121,803-8,121,828 gives the same sequence; the c. name uses the placement nearest the transcript's 3' end. VCF-style (leftmost placement, unchanged base first): chr17-8121802-G-GGGGTCCAGGGATGGGCGCGGCGCT. GRCh37 (hg19) VCF-style: chr17-8025120-G-GGGGTCCAGGGATGGGCGCGGCGCT.
Other names: c.423_446dup, p.Pro143_Ala150dup (NM_032580.4).
Identifiers: ClinVar variation 1445982 (VCV001445982.8), dbSNP rs749469291, ClinGen allele CA8368625.
Genomic context (GRCh38, chr17:8,121,802, plus strand): 5'-AGGGTGGCCCTGGTGCACTGGGGGGCGCTGGTGCAGCGCAGGGCCAAGGGCCGGTGCGGC[G>GGGGTCCAGGGATGGGCGCGGCGCT]GGGTCCAGGGATGGGCGCGGCGCTGGAGGCCTCGGATCTACCGGCTTGGGCCGGGGCGGT-3'

ClinVar aggregate classification (germline): Uncertain significance (1 of 4 stars; one submission).

Submission:

Labcorp Genetics (formerly Invitae), Labcorp
Classification: Uncertain significance. Last evaluated: 2023-08-17. Review status: criteria provided, single submitter. Criteria: Invitae Variant Classification Sherloc (09022015). Collection method: clinical testing. Allele origin: germline.
Comment: This variant is present in population databases (rs749469291, gnomAD 0.001%). This variant, c.423_446dup, results in the insertion of 8 amino acid(s) of the HES7 protein (p.Pro143_Ala150dup), but otherwise preserves the integrity of the reading frame. This variant has not been reported in the literature in individuals affected with HES7-related conditions. In summary, the available evidence is currently insufficient to determine the role of this variant in disease. Therefore, it has been classified as a Variant of Uncertain Significance. Experimental studies and prediction algorithms are not available or were not evaluated, and the functional significance of this variant is currently unknown. ClinVar contains an entry for this variant (Variation ID: 1445982).